The following is an entry in ClinVar:

ClinVar aggregate classification (germline): Uncertain significance (1 of 4 stars; one submission).

Submission:

ISCA site 17
Classification: Uncertain significance. Last evaluated: 2011-08-12. Review status: criteria provided, single submitter. Criteria: Kaminsky et al. (Genet Med. 2011). Collection method: clinical testing. Allele origin: unknown. Affected: yes. Observed: 1 variant allele.
Comment: Copy number variation identified through the course of routine clinical cytogenomic testing in postnatal populations. Clinical assertions have been curated as described in Kaminsky et al. 2011.

GRCh38/hg38 16q22.2-22.3(chr16:71279916-73246687)x3

Genes: AP1G1 (adaptor related protein complex 1 subunit gamma 1; minus strand), ATXN1L (ataxin 1 like; plus strand), C16orf47 (chromosome 16 open reading frame 47; minus strand), CALB2 (calbindin 2; plus strand), CHST4 (carbohydrate sulfotransferase 4; plus strand) and 97 more. Cytogenetic location: 16q22.2-22.3.
Variant type: copy number gain.
Change: copy number 3 (three copies instead of two) of chr16:71,279,916-73,246,687 (1.97 Mb, GRCh38 coordinates, 1-based), cytogenetic band 16q22.2-22.3.
Identifiers: ClinVar variation 59995 (VCV000059995.1).